The following is an entry in ClinVar:

ClinVar aggregate classification (germline): Pathogenic. Review status: criteria provided, single submitter (1 of 4 stars). 2 submissions from 1 submitter: Pathogenic (2). Last evaluated 2018-03-13.

Conditions:
Sotos syndrome (SOTOS). Also called: Distinctive facial appearance, overgrowth in childhood, and learning disabilities or delayed development; CEREBRAL GIGANTISM; Sotos' syndrome; CHROMOSOME 5q35 DELETION SYNDROME; SOTOS SYNDROME 1. Identifiers: Orphanet 821, MedGen C0175695, MONDO:0019349, OMIM 117550.
Beckwith-Wiedemann syndrome (BWS). Also called: EMG SYNDROME; Exomphalos macroglossia gigantism syndrome. Identifiers: Orphanet 116, MedGen C0004903, MONDO:0007534, OMIM 130650.

Submissions (2):

Labcorp Genetics (formerly Invitae), Labcorp
Classification: Pathogenic for Beckwith-Wiedemann syndrome. Last evaluated: 2018-03-13. Review status: criteria provided, single submitter. Criteria: Invitae Variant Classification Sherloc (09022015). Collection method: clinical testing. Allele origin: germline.
Comment: This sequence change creates a premature translational stop signal (p.Leu1191Thrfs*3) in the NSD1 gene. It is expected to result in an absent or disrupted protein product. This variant is not present in population databases (ExAC no frequency). This variant has not been reported in the literature in individuals with NSD1-related disease. Loss-of-function variants in NSD1 are known to be pathogenic (PMID: 12464997, 14571271, 15942875, 16247291). For these reasons, this variant has been classified as Pathogenic.

Labcorp Genetics (formerly Invitae), Labcorp
Classification: Pathogenic. Last evaluated: 2018-02-01. Review status: criteria provided, single submitter. Criteria: Invitae Variant Classification Sherloc (09022015). Collection method: clinical testing. Allele origin: germline.
Comment: the same text as in the submission from Labcorp Genetics (formerly Invitae), Labcorp above.

Literature cited by the submitters: PubMed 12464997; PubMed 14571271; PubMed 15942875; PubMed 16247291.

NM_022455.5(NSD1):c.3570dup (p.Leu1191fs)

Gene: NSD1 (nuclear receptor binding SET domain protein 1; plus strand). Cytogenetic location: 5q35.3.
Variant type: Duplication.
Coding change: c.3570dup on transcript NM_022455.5 (MANE Select); coding-DNA position 3570, one base duplicated (A; older notation c.3570dupA).
Protein change: p.Leu1191fs; shifts the reading frame from leucine 1191.
Molecular consequence: frameshift variant.
Genome position (GRCh38, 1-based): chr5:177,211,969, A duplicated. VCF-style (leftmost placement, unchanged base first): chr5-177211968-T-TA. GRCh37 (hg19) VCF-style: chr5-176638969-T-TA.
Other names: c.2697dup, p.Leu900Thrfs (NM_001365684.2, NM_001409306.1, NM_001409307.1 and 3 more transcripts); c.3570dup, p.Leu1191Thrfs (NM_001409301.1, NM_001409302.1, NM_001409303.1); c.3150dup, p.Leu1051Thrfs (NM_001409304.1); c.2817dup, p.Leu940Thrfs (NM_001409305.1); c.3570dupA (NM_022455.4); short protein forms L922fs, L1191fs.
Identifiers: ClinVar variation 578218 (VCV000578218.6), dbSNP rs1562213553, ClinGen allele CA891843153.